The following is an entry in ClinVar:

ClinVar aggregate classification (germline): Uncertain significance. Review status: criteria provided, multiple submitters, no conflicts (2 of 4 stars). 2 submissions from 2 submitters: Uncertain significance (2). Last evaluated 2025-12-23.

gnomAD v4.1: 12 of 1,614,018 alleles (0.00074%); highest among the groups gnomAD compares: African/African-American, 0.0027%; no homozygotes.

Submissions (2):

Labcorp Genetics (formerly Invitae), Labcorp
Classification: Uncertain significance. Last evaluated: 2025-12-23. Review status: criteria provided, single submitter. Criteria: Invitae Variant Classification Sherloc (09022015). Collection method: clinical testing. Allele origin: germline.
Comment: This sequence change replaces arginine, which is basic and polar, with cysteine, which is neutral and slightly polar, at codon 300 of the ANKZF1 protein (p.Arg300Cys). This variant is present in population databases (rs138302651, gnomAD 0.003%). This variant has not been reported in the literature in individuals affected with ANKZF1-related conditions. ClinVar contains an entry for this variant (Variation ID: 1490183). An algorithm developed to predict the effect of missense changes on protein structure and function (PolyPhen-2) suggests that this variant is likely to be disruptive. In summary, the available evidence is currently insufficient to determine the role of this variant in disease. Therefore, it has been classified as a Variant of Uncertain Significance.

Ambry Genetics
Classification: Uncertain significance. Last evaluated: 2021-09-16. Review status: criteria provided, single submitter. Criteria: Ambry Variant Classification Scheme 2023. Collection method: clinical testing. Allele origin: germline.

NM_018089.3(ANKZF1):c.898C>T (p.Arg300Cys)

Gene: ANKZF1 (ankyrin repeat and zinc finger peptidyl tRNA hydrolase 1; plus strand). Cytogenetic location: 2q35.
Variant type: single nucleotide variant.
Coding change: c.898C>T on transcript NM_018089.3 (MANE Select); coding-DNA position 898, C replaced by T.
Protein change: p.Arg300Cys; replaces arginine 300 with cysteine.
Molecular consequence: missense variant.
Genome position (GRCh38, 1-based): chr2:219,233,793, C>T. VCF-style: chr2-219233793-C-T. GRCh37 (hg19) VCF-style: chr2-220098515-C-T.
Other names: c.898C>T (NM_018089.2); c.898C>T, p.Arg300Cys (NM_001042410.2); c.268C>T, p.Arg90Cys (NM_001282792.2); short protein forms R300C, R90C.
Identifiers: ClinVar variation 1490183 (VCV001490183.9), dbSNP rs138302651, ClinGen allele CA2120904.
Genomic context (GRCh38, chr2:219,233,793, plus strand): 5'-GCAGGGCCAAGCTGGGCTAAGGCGCTGGAGGAGGCTGGTACAATACTGTTGCGTGCTCCC[C>T]GCTCTGGCCGGTCTTTGTTCTTTGGAGGCAAGGGAGCACCCCTGCAAAGGGGGGATCCCC-3'
Protein context (NP_060559.2, residues 290-310): EAGTILLRAP[Arg300Cys]SGRSLFFGGK